The following is an entry in ClinVar:

ClinVar aggregate classification (germline): Uncertain significance (1 of 4 stars; one submission).

Submission:

GeneDx
Classification: Uncertain significance. Last evaluated: 2022-12-14. Review status: criteria provided, single submitter. Criteria: GeneDx Variant Classification Process June 2021. Collection method: clinical testing. Allele origin: germline. Affected: yes.
Comment: Not observed at significant frequency in large population cohorts (gnomAD); In silico analysis supports that this missense variant has a deleterious effect on protein structure/function; Has not been previously published as pathogenic or benign to our knowledge

NM_004408.4(DNM1):c.1973A>T (p.Gln658Leu)

Gene: DNM1 (dynamin 1; plus strand). Cytogenetic location: 9q34.11.
Variant type: single nucleotide variant.
Coding change: c.1973A>T on transcript NM_004408.4 (MANE Select); coding-DNA position 1973, A replaced by T.
Protein change: p.Gln658Leu; replaces glutamine 658 with leucine.
Molecular consequence: missense variant.
Genome position (GRCh38, 1-based): chr9:128,248,650, A>T. VCF-style: chr9-128248650-A-T. GRCh37 (hg19) VCF-style: chr9-131010929-A-T.
Other names: c.1973A>T, p.Gln658Leu (NM_001005336.3, NM_001288737.2, NM_001288738.2 and 2 more transcripts); short protein forms Q658L.
Identifiers: ClinVar variation 2505758 (VCV002505758.1), dbSNP rs2539114167, ClinGen allele CA375000337.